The following is an entry in ClinVar:

ClinVar aggregate classification (germline): Pathogenic/Likely pathogenic. Review status: criteria provided, multiple submitters, no conflicts (2 of 4 stars). 4 submissions from 4 submitters: Pathogenic (3); Likely pathogenic (1). Last evaluated 2024-08-08.

Conditions:
Hereditary breast ovarian cancer syndrome. Also called: Hereditary breast and ovarian cancer; BRCA1- and BRCA2-Associated Hereditary Breast and Ovarian Cancer; Hereditary breast and/or ovarian cancer syndrome; Hereditary breast and ovarian cancer syndrome (HBOC); Breast and ovarian cancer; Hereditary breast and ovarian cancer syndrome. Identifiers: Orphanet 145, MedGen C0677776, MeSH D061325, MONDO:0003582. Disease mechanism: loss of function.
Familial cancer of breast. Also called: hereditary breast carcinoma; Hereditary breast cancer; BREAST CANCER, FAMILIAL. Identifiers: Orphanet 227535, MedGen C0346153, MONDO:0016419, OMIM 114480. Disease mechanism: loss of function.
Breast-ovarian cancer, familial, susceptibility to, 2 (BROVCA2). Also called: BRCA2 Hereditary Breast and Ovarian Cancer. Identifiers: Orphanet 145, MedGen C2675520, MONDO:0012933, OMIM 612555. Disease mechanism: loss of function.

Submissions (4):

Labcorp Genetics (formerly Invitae), Labcorp
Classification: Pathogenic for Hereditary breast ovarian cancer syndrome. Last evaluated: 2024-08-08. Review status: criteria provided, single submitter. Criteria: Invitae Variant Classification Sherloc (09022015). Collection method: clinical testing. Allele origin: germline.
Comment: This sequence change creates a premature translational stop signal (p.Asn1448Phefs*3) in the BRCA2 gene. It is expected to result in an absent or disrupted protein product. Loss-of-function variants in BRCA2 are known to be pathogenic (PMID: 20104584). This variant is not present in population databases (gnomAD no frequency). This premature translational stop signal has been observed in individual(s) with ovarian cancer (PMID: 30803554). ClinVar contains an entry for this variant (Variation ID: 2446638). For these reasons, this variant has been classified as Pathogenic.

KCCC/NGS Laboratory, Kuwait Cancer Control Center
Classification: Pathogenic for Breast-ovarian cancer, familial, susceptibility to, 2. Last evaluated: 2023-06-13. Review status: criteria provided, single submitter. Criteria: ACMG Guidelines, 2015. Collection method: clinical testing. Allele origin: unknown. Inheritance: Autosomal dominant inheritance. Affected: yes. Observed: 1 heterozygote.
Comment: This sequence change creates a premature translational stop signal (p.N1448Ffs) in the BRCA2 gene. It is expected to result in an absent or disrupted protein product. This variant in not listed in the gnomAD genomes. This variant has not been reported in the literature in individuals with BRCA2-related conditions. This variant has an entry in ClinVar (2446638) with a single submission. Loss-of-function variants in BRCA2 are known to be pathogenic (PMID: 20104584). Therefore, this variant has been classified as Pathogenic.

GeneDx
Classification: Pathogenic. Last evaluated: 2022-09-28. Review status: criteria provided, single submitter. Criteria: GeneDx Variant Classification Process June 2021. Collection method: clinical testing. Allele origin: germline. Affected: yes.
Comment: Frameshift variant predicted to result in protein truncation or nonsense mediated decay in a gene for which loss of function is a known mechanism of disease; Not observed at significant frequency in large population cohorts (gnomAD); Truncating variants in this gene are considered pathogenic by a well-established clinical consortium and/or database; Observed in patients with BRCA2-related and other cancers in published literature and in patients referred for genetic testing at GeneDx (El-Khoury et al., 2019); Also known as 4570_4571del; This variant is associated with the following publications: (PMID: 30803554)

Baylor Genetics
Classification: Likely pathogenic for Familial cancer of breast. Last evaluated: 2022-03-23. Review status: criteria provided, single submitter. Criteria: ACMG Guidelines, 2015. Collection method: clinical testing. Allele origin: unknown.

Literature cited by the submitters: PubMed 20104584 (cited by Labcorp Genetics (formerly Invitae), Labcorp); PubMed 30803554 (cited by Labcorp Genetics (formerly Invitae), Labcorp).

NM_000059.4(BRCA2):c.4342_4343del (p.Asn1448fs)

Gene: BRCA2 (BRCA2 DNA repair associated; plus strand). Cytogenetic location: 13q13.1.
Variant type: Deletion.
Coding change: c.4342_4343del on transcript NM_000059.4 (MANE Select); coding-DNA positions 4342 to 4343, 2 bases deleted (AA; older notation c.4342_4343delAA).
Protein change: p.Asn1448fs; shifts the reading frame from asparagine 1448.
Molecular consequence: frameshift variant.
Genome position (GRCh38, 1-based): chr13:32,338,697-32,338,698, AA deleted; deleting any 2 consecutive bases within chr13:32,338,696-32,338,698 gives the same sequence; the c. name uses the placement nearest the transcript's 3' end. VCF-style (leftmost placement, unchanged base first): chr13-32338695-TAA-T. GRCh37 (hg19) VCF-style: chr13-32912832-TAA-T.
Other names: c.4342_4343del (NM_000059.3); short protein forms N1448fs.
Identifiers: ClinVar variation 2446638 (VCV002446638.6), dbSNP rs2548528160, ClinGen allele CA2499222163.